The following is an entry in ClinVar:

ClinVar aggregate classification (germline): Uncertain significance. Review status: criteria provided, single submitter (1 of 4 stars). 2 submissions from 2 submitters: Uncertain significance (1). 1 of the submissions does not count toward it. Last evaluated 2022-01-07.

Conditions:
Usher syndrome type 1 (USH1). Also called: RETINITIS PIGMENTOSA AND CONGENITAL DEAFNESS. Identifiers: Orphanet 231169, Orphanet 886, MedGen C1568247, MONDO:0010168, OMIM 276900.

Allele frequency attached by ClinVar (database versions not stated): ExAC 0.00002; gnomAD 0.00002 and 0.00001; gnomAD exomes 0.00001 and 0.00002; TOPMed 0.00002.
gnomAD v4.1: 16 of 1,601,946 alleles (0.001%); highest among the groups gnomAD compares: South Asian, 0.0045%; no homozygotes.

Submissions (2):

Labcorp Genetics (formerly Invitae), Labcorp
Classification: Uncertain significance. Last evaluated: 2022-01-07. Review status: criteria provided, single submitter. Criteria: Invitae Variant Classification Sherloc (09022015). Collection method: clinical testing. Allele origin: germline.
Comment: This sequence change replaces aspartic acid, which is acidic and polar, with asparagine, which is neutral and polar, at codon 2858 of the CDH23 protein (p.Asp2858Asn). The frequency data for this variant in the population databases is considered unreliable, as metrics indicate poor data quality at this position in the gnomAD database. This variant has not been reported in the literature in individuals affected with CDH23-related conditions. ClinVar contains an entry for this variant (Variation ID: 1038941). Algorithms developed to predict the effect of missense changes on protein structure and function are either unavailable or do not agree on the potential impact of this missense change (SIFT: "Deleterious"; PolyPhen-2: "Not Available"; Align-GVGD: "Class C0"). In summary, the available evidence is currently insufficient to determine the role of this variant in disease. Therefore, it has been classified as a Variant of Uncertain Significance.

Natera, Inc.
Classification: Uncertain significance for Usher syndrome type 1. Last evaluated: 2020-06-25. Review status: no assertion criteria provided. Collection method: clinical testing. Allele origin: germline. Not counted in ClinVar's aggregate classification.

NM_022124.6(CDH23):c.8572G>A (p.Asp2858Asn)

Gene: CDH23 (cadherin related 23; plus strand). Cytogenetic location: 10q22.1.
Variant type: single nucleotide variant.
Coding change: c.8572G>A on transcript NM_022124.6 (MANE Select); coding-DNA position 8572, G replaced by A.
Protein change: p.Asp2858Asn; replaces aspartic acid 2858 with asparagine.
Molecular consequence: missense variant.
Genome position (GRCh38, 1-based): chr10:71,807,857, G>A. VCF-style: chr10-71807857-G-A. GRCh37 (hg19) VCF-style: chr10-73567614-G-A.
Other names: c.1852G>A, p.Asp618Asn (NM_001171933.1, NM_001171934.1); short protein forms D2858N, D618N.
Identifiers: ClinVar variation 1038941 (VCV001038941.7), dbSNP rs757494360, ClinGen allele CA5546694.